The following is an entry in ClinVar:

ClinVar aggregate classification (germline): Uncertain significance. Review status: criteria provided, multiple submitters, no conflicts (2 of 4 stars). 4 submissions from 4 submitters: Uncertain significance (4). Last evaluated 2025-03-13.

Conditions:
Cardiomyopathy (CMYO). Also called: Cardiomyopathies. Identifiers: Orphanet 167848, MedGen C0878544, MONDO:0004994, HP:0001638. Inheritance: Various modes of inheritance.
Arrhythmogenic cardiomyopathy with wooly hair and keratoderma. Also called: Dilated cardiomyopathy with woolly hair and keratoderma; PALMOPLANTAR KERATODERMA WITH LEFT VENTRICULAR CARDIOMYOPATHY AND WOOLLY HAIR; Carvajal syndrome; Arrhythmogenic cardiomyopathy with woolly hair and keratoderma. Identifiers: Orphanet 65282, MedGen C1854063, MONDO:0011581, OMIM 605676.
Arrhythmogenic right ventricular dysplasia 8 (ARVD8). Also called: Arrhythmogenic Right Ventricular Dysplasia/Cardiomyopathy 8; ARRHYTHMOGENIC RIGHT VENTRICULAR DYSPLASIA, FAMILIAL, 8; ARRHYTHMOGENIC RIGHT VENTRICULAR CARDIOMYOPATHY 8. Identifiers: MedGen C1843896, MONDO:0011831, OMIM 607450.

Allele frequency attached by ClinVar (database versions not stated): gnomAD exomes below 0.00001 and 0.00001; TOPMed below 0.00001; ExAC 0.00001.
gnomAD v4.1: 10 of 1,613,542 alleles (0.00062%); highest among the groups gnomAD compares: Non-Finnish European, 0.00085%; no homozygotes.

Submissions (4):

GeneDx
Classification: Uncertain significance. Last evaluated: 2025-03-13. Review status: criteria provided, single submitter. Criteria: GeneDx Variant Classification Process June 2021. Collection method: clinical testing. Allele origin: germline. Affected: yes.
Comment: Not observed at significant frequency in large population cohorts (gnomAD); In silico analysis supports that this missense variant has a deleterious effect on protein structure/function; Has not been previously published as pathogenic or benign to our knowledge

Labcorp Genetics (formerly Invitae), Labcorp
Classification: Uncertain significance for Arrhythmogenic cardiomyopathy with wooly hair and keratoderma; Arrhythmogenic right ventricular dysplasia 8. Last evaluated: 2024-10-09. Review status: criteria provided, single submitter. Criteria: Invitae Variant Classification Sherloc (09022015). Collection method: clinical testing. Allele origin: germline.
Comment: This sequence change replaces leucine, which is neutral and non-polar, with phenylalanine, which is neutral and non-polar, at codon 963 of the DSP protein (p.Leu963Phe). This variant is present in population databases (rs779931043, gnomAD 0.002%). This variant has not been reported in the literature in individuals affected with DSP-related conditions. ClinVar contains an entry for this variant (Variation ID: 1171164). An algorithm developed to predict the effect of missense changes on protein structure and function (PolyPhen-2) suggests that this variant is likely to be disruptive. In summary, the available evidence is currently insufficient to determine the role of this variant in disease. Therefore, it has been classified as a Variant of Uncertain Significance.

ARUP Laboratories, Molecular Genetics and Genomics, ARUP Laboratories
Classification: Uncertain significance. Last evaluated: 2024-08-09. Review status: criteria provided, single submitter. Criteria: ARUP Molecular Germline Variant Investigation Process 2024. Collection method: clinical testing. Allele origin: germline.
Comment: The DSP c.2887C>T; p.Leu963Phe variant (rs779931043), to our knowledge, is not reported in the medical literature but is reported in ClinVar (Variation ID: 1171164). This variant is only observed on one allele in the Genome Aggregation Database (v2.1.1), indicating it is not a common polymorphism. Computational analyses are uncertain whether this variant is neutral or deleterious (REVEL: 0.508). Due to limited information, the clinical significance of this variant is uncertain at this time.

Color Diagnostics, LLC DBA Color Health
Classification: Uncertain significance for Cardiomyopathy. Last evaluated: 2024-03-06. Review status: criteria provided, single submitter. Criteria: ACMG Guidelines, 2015. Collection method: clinical testing. Allele origin: germline.
Comment: This missense variant replaces leucine with phenylalanine at codon 963 of the DSP protein. Computational prediction is inconclusive regarding the impact of this variant on protein structure and function (internally defined REVEL score threshold 0.5 < inconclusive < 0.7, PMID: 27666373). To our knowledge, functional studies have not been reported for this variant. This variant has not been reported in individuals affected with cardiovascular disorders in the literature. This variant has been identified in 1/251400 chromosomes in the general population by the Genome Aggregation Database (gnomAD). The available evidence is insufficient to determine the role of this variant in disease conclusively. Therefore, this variant is classified as a Variant of Uncertain Significance.

NM_004415.4(DSP):c.2887C>T (p.Leu963Phe)

Gene: DSP (desmoplakin; plus strand). Cytogenetic location: 6p24.3.
Variant type: single nucleotide variant.
Coding change: c.2887C>T on transcript NM_004415.4 (MANE Select); coding-DNA position 2887, C replaced by T.
Protein change: p.Leu963Phe; replaces leucine 963 with phenylalanine.
Molecular consequence: missense variant.
Genome position (GRCh38, 1-based): chr6:7,577,788, C>T. VCF-style: chr6-7577788-C-T. GRCh37 (hg19) VCF-style: chr6-7578021-C-T.
Other names: c.2887C>T, p.Leu963Phe (NM_001008844.3, NM_001319034.2); short protein forms L963F.
Identifiers: ClinVar variation 1171164 (VCV001171164.11), dbSNP rs779931043, ClinGen allele CA036076.